The following is an entry in ClinVar:

ClinVar aggregate classification (germline): Uncertain significance. Review status: criteria provided, multiple submitters, no conflicts (2 of 4 stars). 2 submissions from 2 submitters: Uncertain significance (2). Last evaluated 2025-08-03.

Conditions:
Progressive familial heart block type IB (PFHB1B). Identifiers: Orphanet 871, MedGen C1970298, MONDO:0011474, OMIM 604559.
Cardiovascular phenotype. Identifiers: MedGen CN230736.

Allele frequency attached by ClinVar (database versions not stated): gnomAD exomes 0.00001; TOPMed 0.00002.

Submissions (2):

Ambry Genetics
Classification: Uncertain significance for Cardiovascular phenotype. Last evaluated: 2025-08-03. Review status: criteria provided, single submitter. Criteria: Ambry Variant Classification Scheme 2023. Collection method: clinical testing. Allele origin: germline.
Comment: The p.L1022P variant (also known as c.3065T>C), located in coding exon 20 of the TRPM4 gene, results from a T to C substitution at nucleotide position 3065. The leucine at codon 1022 is replaced by proline, an amino acid with similar properties. This amino acid position is conserved. In addition, the in silico prediction for this alteration is inconclusive. Based on the available evidence, the clinical significance of this variant remains unclear.

Labcorp Genetics (formerly Invitae), Labcorp
Classification: Uncertain significance for Progressive familial heart block type IB. Last evaluated: 2025-05-07. Review status: criteria provided, single submitter. Criteria: Invitae Variant Classification Sherloc (09022015). Collection method: clinical testing. Allele origin: germline.
Comment: This sequence change replaces leucine, which is neutral and non-polar, with proline, which is neutral and non-polar, at codon 1022 of the TRPM4 protein (p.Leu1022Pro). This variant is not present in population databases (gnomAD no frequency). This variant has not been reported in the literature in individuals affected with TRPM4-related conditions. ClinVar contains an entry for this variant (Variation ID: 2143205). An algorithm developed to predict the effect of missense changes on protein structure and function (PolyPhen-2) suggests that this variant is likely to be disruptive. In summary, the available evidence is currently insufficient to determine the role of this variant in disease. Therefore, it has been classified as a Variant of Uncertain Significance.

NM_017636.4(TRPM4):c.3065T>C (p.Leu1022Pro)

Gene: TRPM4 (transient receptor potential cation channel subfamily M member 4; plus strand). Cytogenetic location: 19q13.33.
Variant type: single nucleotide variant.
Coding change: c.3065T>C on transcript NM_017636.4 (MANE Select); coding-DNA position 3065, T replaced by C.
Protein change: p.Leu1022Pro; replaces leucine 1022 with proline.
Molecular consequence: missense variant.
Genome position (GRCh38, 1-based): chr19:49,202,075, T>C. VCF-style: chr19-49202075-T-C. GRCh37 (hg19) VCF-style: chr19-49705332-T-C.
Other names: c.2630T>C, p.Leu877Pro (NM_001195227.2); c.2720T>C, p.Leu907Pro (NM_001321281.2); c.1457T>C, p.Leu486Pro (NM_001321282.2); c.2543T>C, p.Leu848Pro (NM_001321283.2); c.2003T>C, p.Leu668Pro (NM_001321285.2); c.3065T>C (NM_017636.3); short protein forms L1022P, L486P, L877P, L668P, L848P, L907P.
Identifiers: ClinVar variation 2143205 (VCV002143205.5), dbSNP rs1220139448, ClinGen allele CA406812885.
Genomic context (GRCh38, chr19:49,202,075, plus strand): 5'-ACCCTCCTGGGGCCCAGGCGGGCACCTGCGTCTCCCAGTATGCCAACTGGCTGGTGGTGC[T>C]GCTCCTCGTCATCTTCCTGCTCGTGGCCAACATCCTGCTGGTCAACTTGCTCATTGCCAT-3'
Protein context (NP_060106.2, residues 1012-1032): VSQYANWLVV[Leu1022Pro]LLVIFLLVAN